The following is an entry in ClinVar:

NM_000059.4(BRCA2):c.165C>T (p.Asn55=)

Gene: BRCA2 (BRCA2 DNA repair associated; plus strand). Cytogenetic location: 13q13.1.
Variant type: single nucleotide variant.
Coding change: c.165C>T on transcript NM_000059.4 (MANE Select); coding-DNA position 165, C replaced by T.
Protein change: p.Asn55=; no amino-acid change (asparagine 55 retained).
Molecular consequence: synonymous variant.
Genome position (GRCh38, 1-based): chr13:32,319,174, C>T. VCF-style: chr13-32319174-C-T. GRCh37 (hg19) VCF-style: chr13-32893311-C-T.
Identifiers: ClinVar variation 230903 (VCV000230903.21), dbSNP rs779367922, ClinGen allele CA6940328.

ClinVar aggregate classification (germline): Likely benign. Review status: reviewed by expert panel (3 of 4 stars). 6 submissions from 6 submitters: Likely benign (1). 5 of the submissions do not count toward it. Last evaluated 2017-06-29.

Conditions:
Hereditary cancer-predisposing syndrome. Also called: Hereditary Cancer Syndrome; Neoplastic Syndromes, Hereditary; Tumor predisposition; Hereditary neoplastic syndrome. Identifiers: Orphanet 140162, MedGen C0027672, MeSH D009386, MONDO:0015356.
Breast-ovarian cancer, familial, susceptibility to, 2 (BROVCA2). Also called: BRCA2 Hereditary Breast and Ovarian Cancer. Identifiers: Orphanet 145, MedGen C2675520, MONDO:0012933, OMIM 612555. Disease mechanism: loss of function.
Hereditary breast ovarian cancer syndrome. Also called: Hereditary breast and/or ovarian cancer syndrome; BRCA1- and BRCA2-Associated Hereditary Breast and Ovarian Cancer; Hereditary breast and ovarian cancer syndrome (HBOC); Hereditary breast and ovarian cancer; Hereditary breast and ovarian cancer syndrome; Breast and ovarian cancer. Identifiers: Orphanet 145, MedGen C0677776, MeSH D061325, MONDO:0003582. Disease mechanism: loss of function.

Allele frequency attached by ClinVar (database versions not stated): gnomAD exomes below 0.00001; ExAC 0.00001.
gnomAD v4.1: 1 of 1,614,020 alleles (0.000062%); highest among the groups gnomAD compares: Admixed American, 0.0017%; no homozygotes.

Submissions (6):

Evidence-based Network for the Interpretation of Germline Mutant Alleles (ENIGMA)
Classification: Likely benign for Breast-ovarian cancer, familial, susceptibility to, 2. Last evaluated: 2017-06-29. Review status: reviewed by expert panel. Criteria: ENIGMA BRCA1/2 Classification Criteria (2017-06-29). Collection method: curation. Allele origin: germline.
Comment: Synonymous substitution variant, with low bioinformatic likelihood to result in a splicing aberration (Splicing prior probability 0.02).

Labcorp Genetics (formerly Invitae), Labcorp
Classification: Likely benign for Hereditary breast ovarian cancer syndrome. Last evaluated: 2025-07-30. Review status: criteria provided, single submitter. Criteria: Invitae Variant Classification Sherloc (09022015). Collection method: clinical testing. Allele origin: germline. Not counted in ClinVar's aggregate classification.

Quest Diagnostics Nichols Institute San Juan Capistrano
Classification: Likely benign. Last evaluated: 2020-11-25. Review status: criteria provided, single submitter. Criteria: Quest Diagnostics criteria. Collection method: clinical testing. Allele origin: unknown. Not counted in ClinVar's aggregate classification.

Color Diagnostics, LLC DBA Color Health
Classification: Likely benign for Hereditary cancer-predisposing syndrome. Last evaluated: 2018-01-09. Review status: criteria provided, single submitter. Criteria: ACMG Guidelines, 2015. Collection method: clinical testing. Allele origin: germline. Not counted in ClinVar's aggregate classification.

GeneDx
Classification: Likely benign. Last evaluated: 2016-01-20. Review status: criteria provided, single submitter. Criteria: GeneDx Variant Classification (06012015). Collection method: clinical testing. Allele origin: germline. Affected: yes. Not counted in ClinVar's aggregate classification.
Comment: This variant is considered likely benign or benign based on one or more of the following criteria: it is a conservative change, it occurs at a poorly conserved position in the protein, it is predicted to be benign by multiple in silico algorithms, and/or has population frequency not consistent with disease.

Ambry Genetics
Classification: Likely benign for Hereditary cancer-predisposing syndrome. Last evaluated: 2015-03-11. Review status: criteria provided, single submitter. Criteria: Ambry Variant Classification Scheme 2023. Collection method: clinical testing. Allele origin: germline. Not counted in ClinVar's aggregate classification.